The following is an entry in ClinVar:

NM_006031.6(PCNT):c.3305T>G (p.Val1102Gly)

Gene: PCNT (pericentrin; plus strand). Cytogenetic location: 21q22.3.
Variant type: single nucleotide variant.
Coding change: c.3305T>G on transcript NM_006031.6 (MANE Select); coding-DNA position 3305, T replaced by G.
Protein change: p.Val1102Gly; replaces valine 1102 with glycine.
Molecular consequence: missense variant.
Genome position (GRCh38, 1-based): chr21:46,381,833, T>G. VCF-style: chr21-46381833-T-G. GRCh37 (hg19) VCF-style: chr21-47801748-T-G.
Other names: c.3305T>G (NM_006031.5); c.2951T>G, p.Val984Gly (NM_001315529.2); short protein forms V984G, V1102G.
Identifiers: ClinVar variation 3724895 (VCV003724895.4).

ClinVar aggregate classification (germline): Uncertain significance. Review status: criteria provided, multiple submitters, no conflicts (2 of 4 stars). 3 submissions from 3 submitters: Uncertain significance (3). Last evaluated 2026-06-30.

Conditions:
PCNT-related disorder. Also called: PCNT-related condition.

gnomAD v4.1: 1 of 1,614,058 alleles (0.000062%); highest among the groups gnomAD compares: African/African-American, 0.0013%; no homozygotes.

Submissions (3):

PreventionGenetics, part of Exact Sciences
Classification: Uncertain significance for PCNT-related condition. Last evaluated: 2026-06-30. Review status: criteria provided, single submitter. Criteria: ACMG Guidelines, 2015. Collection method: clinical testing. Allele origin: germline.
Comment: The PCNT c.3305T>G variant is predicted to result in the amino acid substitution p.Val1102Gly. To our knowledge, this variant has not been reported in the literature or in a large population database (gnomAD), indicating this variant is rare. At this time, the clinical significance of this variant is uncertain due to the absence of conclusive functional and genetic evidence.

Women's Health and Genetics/Laboratory Corporation of America, LabCorp
Classification: Uncertain significance. Last evaluated: 2026-03-25. Review status: criteria provided, single submitter. Criteria: LabCorp Variant Classification Summary - May 2015. Collection method: clinical testing. Allele origin: germline.
Comment: Variant summary: PCNT c.3305T>G (p.Val1102Gly) results in a non-conservative amino acid change in the encoded protein sequence. Algorithms developed to predict the effect of missense changes on protein structure and function are either unavailable or do not agree on the potential impact of this missense change. The variant was absent in 251410 control chromosomes. The available data on variant occurrences in the general population are insufficient to allow any conclusion about variant significance. To our knowledge, no occurrence of c.3305T>G in individuals affected with PCNT-related conditions and no experimental evidence demonstrating its impact on protein function have been reported. ClinVar contains an entry for this variant (Variation ID: 3724895). Based on the evidence outlined above, the variant was classified as uncertain significance.

Labcorp Genetics (formerly Invitae), Labcorp
Classification: Uncertain significance. Last evaluated: 2024-11-09. Review status: criteria provided, single submitter. Criteria: Invitae Variant Classification Sherloc (09022015). Collection method: clinical testing. Allele origin: germline.
Comment: This sequence change replaces valine, which is neutral and non-polar, with glycine, which is neutral and non-polar, at codon 1102 of the PCNT protein (p.Val1102Gly). This variant is not present in population databases (gnomAD no frequency). This variant has not been reported in the literature in individuals affected with PCNT-related conditions. An algorithm developed to predict the effect of missense changes on protein structure and function (PolyPhen-2) suggests that this variant is likely to be disruptive. In summary, the available evidence is currently insufficient to determine the role of this variant in disease. Therefore, it has been classified as a Variant of Uncertain Significance.